The following is an entry in ClinVar:

NM_199420.4(POLQ):c.3956A>G (p.Glu1319Gly)

Gene: POLQ (DNA polymerase theta; minus strand). Cytogenetic location: 3q13.33.
Variant type: single nucleotide variant.
Coding change: c.3956A>G on transcript NM_199420.4 (MANE Select); coding-DNA position 3956, A replaced by G.
Protein change: p.Glu1319Gly; replaces glutamic acid 1319 with glycine.
Molecular consequence: missense variant.
Genome position (GRCh38, 1-based): chr3:121,488,975, T>C on the plus strand (A>G on the coding strand, the complement: POLQ is on the minus strand). VCF-style: chr3-121488975-T-C. GRCh37 (hg19) VCF-style: chr3-121207822-T-C.
Other names: short protein forms E1319G.
Identifiers: ClinVar variation 2563764 (VCV002563764.2), dbSNP rs2546786622, ClinGen allele CA354096560.

ClinVar aggregate classification (germline): Uncertain significance (1 of 4 stars; one submission).

Submission:

Ambry Genetics
Classification: Uncertain significance. Last evaluated: 2023-03-19. Review status: criteria provided, single submitter. Criteria: Ambry Variant Classification Scheme 2023. Collection method: clinical testing. Allele origin: germline.
Comment: The p.E1319G variant (also known as c.3956A>G), located in coding exon 16 of the POLQ gene, results from an A to G substitution at nucleotide position 3956. The glutamic acid at codon 1319 is replaced by glycine, an amino acid with similar properties. This amino acid position is conserved. In addition, this alteration is predicted to be tolerated by in silico analysis. Since supporting evidence is limited at this time, the clinical significance of this alteration remains unclear.